The following is an entry in ClinVar:

NM_001348716.2(KDM6B):c.4908+16del

Gene: KDM6B (lysine demethylase 6B; plus strand). Cytogenetic location: 17p13.1.
Variant type: Deletion.
Coding change: c.4908+16del on transcript NM_001348716.2 (MANE Select); 16 bases into the intron after coding-DNA position 4908, one base deleted (G; older notation c.4908+16delG).
Molecular consequence: intron variant. On other transcripts: frameshift variant (1).
Genome position (GRCh38, 1-based): chr17:7,853,396, G deleted; the last of 3 consecutive G bases (chr17:7,853,394-7,853,396); deleting any one gives the same sequence. VCF-style (leftmost placement, unchanged base first): chr17-7853393-CG-C. GRCh37 (hg19) VCF-style: chr17-7756711-CG-C.
Other names: c.4924del, p.Ala1642fs (NM_001080424.2); short protein forms A1642fs.
Identifiers: ClinVar variation 4055878 (VCV004055878.2).

ClinVar aggregate classification (germline): Uncertain significance (1 of 4 stars; one submission).

Submission:

GeneDx
Classification: Uncertain significance. Last evaluated: 2025-11-10. Review status: criteria provided, single submitter. Criteria: GeneDx Variant Classification Process June 2021. Collection method: clinical testing. Allele origin: germline.
Comment: Not observed at significant frequency in large population cohorts (gnomAD); Frameshift variant predicted to result in abnormal protein length as the last 41 amino acids are replaced with 66 different amino acids; Has not been previously published as pathogenic or benign to our knowledge